The following is an entry in ClinVar:

ClinVar aggregate classification (germline): Uncertain significance (1 of 4 stars; one submission).

Conditions:
Hereditary pancreatitis (PCTT). Also called: Hereditary chronic pancreatitis; PRSS1-Related Hereditary Pancreatitis. Identifiers: Orphanet 676, MedGen C0238339, MONDO:0008185, OMIM 167800.

Allele frequency attached by ClinVar (database versions not stated): gnomAD exomes below 0.00001.
gnomAD v4.1: 1 of 1,613,880 alleles (0.000062%); highest among the groups gnomAD compares: South Asian, 0.0011%; no homozygotes.

Submission:

Ambry Genetics
Classification: Uncertain significance for Hereditary pancreatitis. Last evaluated: 2024-03-06. Review status: criteria provided, single submitter. Criteria: Ambry Variant Classification Scheme 2023. Collection method: clinical testing. Allele origin: germline.
Comment: The c.455-1G>A intronic variant results from a G to A substitution one nucleotide upstream from coding exon 4 of the PRSS1 gene. This nucleotide position is highly conserved in available vertebrate species. In silico splice site analysis predicts that this alteration will weaken the native splice acceptor site and will result in the creation or strengthening of a novel splice acceptor site. Alterations that disrupt the canonical splice site are expected to cause aberrant splicing, resulting in an abnormal protein or a transcript that is subject to nonsense-mediated mRNA decay. However, loss of function of PRSS1 has not been established as a mechanism of disease. Based on the available evidence, the clinical significance of this alteration remains unclear.

NM_002769.5(PRSS1):c.455-1G>A

Genes: TRB (T cell receptor beta locus; plus strand), PRSS1 (serine protease 1; plus strand). Cytogenetic location: 7q34.
Variant type: single nucleotide variant.
Coding change: c.455-1G>A on transcript NM_002769.5 (MANE Select); the canonical splice acceptor site of the intron before coding-DNA position 455, G replaced by A.
Molecular consequence: splice acceptor variant.
Genome position (GRCh38, 1-based): chr7:142,752,430, G>A. VCF-style: chr7-142752430-G-A. GRCh37 (hg19) VCF-style: chr7-142460281-G-A.
Identifiers: ClinVar variation 3222808 (VCV003222808.1), dbSNP rs1432857262, ClinGen allele CA369609361.